The following is an entry in ClinVar:

ClinVar aggregate classification (germline): Uncertain significance. Review status: criteria provided, multiple submitters, no conflicts (2 of 4 stars). 2 submissions from 2 submitters: Uncertain significance (2). Last evaluated 2026-04-09.

Conditions:
Arrhythmogenic right ventricular dysplasia 13. Also called: ARRHYTHMOGENIC RIGHT VENTRICULAR CARDIOMYOPATHY 13; Arrhythmogenic right ventricular dysplasia, familial, 13. Identifiers: MedGen C3810138, MONDO:0000908, OMIM 615616.

gnomAD v4.1: 1 of 1,613,958 alleles (0.000062%); no homozygotes.

Submissions (2):

Ambry Genetics
Classification: Uncertain significance. Last evaluated: 2026-04-09. Review status: criteria provided, single submitter. Criteria: Ambry Variant Classification Scheme 2023. Collection method: clinical testing. Allele origin: germline.
Comment: The p.I880T variant (also known as c.2639T>C), located in coding exon 17 of the CTNNA3 gene, results from a T to C substitution at nucleotide position 2639. The isoleucine at codon 880 is replaced by threonine, an amino acid with similar properties. This amino acid position is conserved. In addition, this alteration is predicted to be tolerated by in silico analysis. Based on the available evidence, the clinical significance of this variant remains unclear.

Labcorp Genetics (formerly Invitae), Labcorp
Classification: Uncertain significance for Arrhythmogenic right ventricular dysplasia 13. Last evaluated: 2025-06-06. Review status: criteria provided, single submitter. Criteria: Invitae Variant Classification Sherloc (09022015). Collection method: clinical testing. Allele origin: germline.
Comment: This sequence change replaces isoleucine, which is neutral and non-polar, with threonine, which is neutral and polar, at codon 880 of the CTNNA3 protein (p.Ile880Thr). This variant is not present in population databases (gnomAD no frequency). This variant has not been reported in the literature in individuals affected with CTNNA3-related conditions. Invitae Evidence Modeling of protein sequence and biophysical properties (such as structural, functional, and spatial information, amino acid conservation, physicochemical variation, residue mobility, and thermodynamic stability) indicates that this missense variant is not expected to disrupt CTNNA3 protein function with a negative predictive value of 80%. In summary, the available evidence is currently insufficient to determine the role of this variant in disease. Therefore, it has been classified as a Variant of Uncertain Significance.

NM_013266.4(CTNNA3):c.2639T>C (p.Ile880Thr)

Gene: CTNNA3 (catenin alpha 3; minus strand). Cytogenetic location: 10q21.3.
Variant type: single nucleotide variant.
Coding change: c.2639T>C on transcript NM_013266.4 (MANE Select); coding-DNA position 2639, T replaced by C.
Protein change: p.Ile880Thr; replaces isoleucine 880 with threonine.
Molecular consequence: missense variant.
Genome position (GRCh38, 1-based): chr10:65,920,379, A>G on the plus strand (T>C on the coding strand, the complement: CTNNA3 is on the minus strand). VCF-style: chr10-65920379-A-G. GRCh37 (hg19) VCF-style: chr10-67680137-A-G.
Other names: c.2639T>C (NM_013266.2); c.2639T>C, p.Ile880Thr (NM_001127384.3); short protein forms I880T.
Identifiers: ClinVar variation 4698466 (VCV004698466.2).